The following is an entry in ClinVar:

ClinVar aggregate classification (germline): other (0 of 4 stars; one submission).

Conditions:
Familial colorectal cancer. Identifiers: MedGen CN280943, MONDO:0023113. Disease mechanism: loss of function.

Submission:

Systems Biology Platform Zhejiang California International NanoSystems Institute
Classification: other for Familial colorectal cancer. Review status: no assertion criteria provided. Collection method: not provided. Allele origin: unknown.
ClinVar note: Converted during submission from cancer to other.

NM_000038.6(APC):c.-18-5277A>C

Gene: APC (APC regulator of WNT signaling pathway; plus strand). Cytogenetic location: 5q22.2.
Variant type: single nucleotide variant.
Coding change: c.-18-5277A>C on transcript NM_000038.6 (MANE Select); 5277 bases into the intron before 18 bases upstream of the start codon, A replaced by C.
Molecular consequence: intron variant.
Genome position (GRCh38, 1-based): chr5:112,749,596, A>C. VCF-style: chr5-112749596-A-C. GRCh37 (hg19) VCF-style: chr5-112085293-A-C.
Other names: c.-18-5277A>C (NM_001354895.2, NM_001127510.3, NM_001354896.2 and 2 more transcripts); c.166-16730A>C (NM_001354897.2, NM_001354902.2, NM_001127511.3); c.60+11136A>C (NM_001354898.2, NM_001354904.2); c.-1053-5277A>C (NM_001354906.2); c.-43+11671A>C (NM_001354900.2, NM_001354901.2, NM_001354905.2).
Identifiers: ClinVar variation 82357 (VCV000082357.2), dbSNP rs80351719, ClinGen allele CA006130.